The following is an entry in ClinVar:

NM_018129.4(PNPO):c.157C>G (p.Leu53Val)

Gene: PNPO (pyridoxamine 5'-phosphate oxidase; plus strand). Cytogenetic location: 17q21.32.
Variant type: single nucleotide variant.
Coding change: c.157C>G on transcript NM_018129.4 (MANE Select); coding-DNA position 157, C replaced by G.
Protein change: p.Leu53Val; replaces leucine 53 with valine.
Molecular consequence: missense variant.
Genome position (GRCh38, 1-based): chr17:47,943,324, C>G. VCF-style: chr17-47943324-C-G. GRCh37 (hg19) VCF-style: chr17-46020690-C-G.
Other names: c.157C>G, p.Leu53Val (NM_001436305.1); short protein forms L53V.
Identifiers: ClinVar variation 4292040 (VCV004292040.1).
Genomic context (GRCh38, chr17:47,943,324, plus strand): 5'-CACTATATATGTTTATTAAATGAAATAAATCTCCTTTCCTAGGCATTTGAGGAGACTCAT[C>G]TGACCTCCCTTGACCCAGTGAAACAGTTTGCTGCCTGGTTTGAGGAGGCTGTTCAGTGTC-3'
Protein context (NP_060599.1, residues 43-63): GDREAFEETH[Leu53Val]TSLDPVKQFA

ClinVar aggregate classification (germline): Uncertain significance (1 of 4 stars; one submission).

Conditions:
Pyridoxal phosphate-responsive seizures (PNPOD). Also called: EPILEPTIC ENCEPHALOPATHY, NEONATAL, PNPO-RELATED; SEIZURES, PYRIDOXINE-RESISTANT, PLP-SENSITIVE; Pyridoxamine 5-Prime-Phosphate Oxidase Deficiency; Pyridoxine-5'-phosphate oxidase deficiency; Pyridoxal 5'-Phosphate (PLP)-Dependent Epilepsy. Identifiers: Orphanet 79096, MedGen C1864723, MONDO:0012407, OMIM 610090. Disease mechanism: loss of function.

Submission:

3billion
Classification: Uncertain significance for Pyridoxal phosphate-responsive seizures. Last evaluated: 2025-02-28. Review status: criteria provided, single submitter. Criteria: ACMG Guidelines, 2015. Collection method: clinical testing. Allele origin: germline. Affected: yes.
Comment: The variant is not observed in the gnomAD v4.1.0 dataset. Predicted Consequence/Location: Missense variant Damaging effect on gene or gene product predicted by in silico programs is uncertain [REVEL: 0.31 (damaging >=0.6, benign <0.4), 3Cnet: 0.15 (damaging >=0.6, benign <0.15)]. The variant has been reported as of uncertain significance (PMID: 28929476). Therefore, this variant is classified as VUS according to the recommendation of ACMG/AMP guideline.